The following is an entry in ClinVar:

NM_007294.4(BRCA1):c.1369G>T (p.Glu457Ter)

Gene: BRCA1 (BRCA1 DNA repair associated; minus strand). Cytogenetic location: 17q21.31.
Variant type: single nucleotide variant.
Coding change: c.1369G>T on transcript NM_007294.4 (MANE Select); coding-DNA position 1369, G replaced by T.
Protein change: p.Glu457Ter; replaces glutamic acid 457 with a stop codon.
Molecular consequence: nonsense. On other transcripts: intron variant (137).
Genome position (GRCh38, 1-based): chr17:43,094,162, C>A on the plus strand (G>T on the coding strand, the complement: BRCA1 is on the minus strand). VCF-style: chr17-43094162-C-A. GRCh37 (hg19) VCF-style: chr17-41246179-C-A.
Other names: c.1156G>T, p.Glu386Ter (NM_001407571.1, NM_001407897.1, NM_001407898.1 and 9 more transcripts); c.1369G>T, p.Glu457Ter (NM_001407581.1, NM_001407582.1, NM_001407583.1 and 30 more transcripts); c.1366G>T, p.Glu456Ter (NM_001407587.1, NM_001407590.1, NM_001407591.1 and 22 more transcripts); c.1360G>T, p.Glu454Ter (NM_001407646.1, NM_001407647.1); c.1246G>T, p.Glu416Ter (NM_001407648.1, NM_001407667.1, NM_001407668.1 and 19 more transcripts); c.1243G>T, p.Glu415Ter (NM_001407649.1, NM_001407670.1, NM_001407671.1 and 11 more transcripts); c.1291G>T, p.Glu431Ter (NM_001407653.1, NM_001407654.1, NM_001407655.1 and 4 more transcripts); c.1228G>T, p.Glu410Ter (NM_001407692.1, NM_001407694.1, NM_001407695.1 and 29 more transcripts); and 40 more; short protein forms E410*, E457*, E389*, E415*, E431*, E454*, E289*, E387*.
Identifiers: ClinVar variation 1255798 (VCV001255798.5), dbSNP rs2154451153, ClinGen allele CA10599308.
Genomic context (GRCh38, chr17:43,094,162, plus strand): 5'-CATGGCTTAAGTTGGGGAGGCTTGCCTTCTTCCGATAGGTTTTCCCAAATATTTTGTCTT[C>A]AATATTACTCTCTACTGATTTGGAGTGAACTCTTTCACTTTTACATATTAAAGCCTCATG-3'

ClinVar aggregate classification (germline): Pathogenic. Review status: criteria provided, multiple submitters, no conflicts (2 of 4 stars). 3 submissions from 3 submitters: Pathogenic (2). 1 of the submissions does not count toward it. Last evaluated 2023-03-29.

Conditions:
Breast-ovarian cancer, familial, susceptibility to, 1 (BROVCA1). Also called: BRCA1 Hereditary Breast and Ovarian Cancer; OVARIAN CANCER, SUSCEPTIBILITY TO. Identifiers: Orphanet 145, MedGen C2676676, MONDO:0011450, OMIM 604370. Disease mechanism: loss of function.
Hereditary cancer-predisposing syndrome. Also called: Neoplastic Syndromes, Hereditary; Tumor predisposition; Hereditary Cancer Syndrome; Hereditary neoplastic syndrome. Identifiers: Orphanet 140162, MedGen C0027672, MeSH D009386, MONDO:0015356.

Submissions (3):

Ambry Genetics
Classification: Pathogenic for Hereditary cancer-predisposing syndrome. Last evaluated: 2023-03-29. Review status: criteria provided, single submitter. Criteria: Ambry Variant Classification Scheme 2023. Collection method: clinical testing. Allele origin: germline.
Comment: The p.E457* pathogenic mutation (also known as c.1369G>T), located in coding exon 9 of the BRCA1 gene, results from a G to T substitution at nucleotide position 1369. This changes the amino acid from a glutamic acid to a stop codon within coding exon 9. This alteration was identified in 1 of 131 Serbian high-grade serous ovarian cancer patients undergoing multi-gene hereditary cancer testing (Krivokuca A et al. J Hum Genet, 2019 Apr;64:281-290). In addition to the clinical data presented in the literature, this alteration is expected to result in loss of function by premature protein truncation or nonsense-mediated mRNA decay. This variant is considered to be rare based on population cohorts in the Genome Aggregation Database (gnomAD). As such, this alteration is interpreted as a disease-causing mutation.

Molecular Endocrinology Laboratory, Christian Medical College
Classification: Pathogenic for Breast-ovarian cancer, familial, susceptibility to, 1. Review status: criteria provided, single submitter. Criteria: ACMG Guidelines, 2015. Collection method: clinical testing. Allele origin: germline. Affected: yes.

BRCAlab, Lund University
Classification: Pathogenic for Breast-ovarian cancer, familial, susceptibility to, 1. Last evaluated: 2020-03-02. Review status: no assertion criteria provided. Collection method: clinical testing. Allele origin: germline. Affected: yes. Not counted in ClinVar's aggregate classification.

Literature cited by the submitters: PubMed 30651582 (cited by Ambry Genetics and Molecular Endocrinology Laboratory, Christian Medical College).